The following is an entry in ClinVar:

ClinVar aggregate classification (germline): Uncertain significance. Review status: criteria provided, multiple submitters, no conflicts (2 of 4 stars). 2 submissions from 2 submitters: Uncertain significance (2). Last evaluated 2026-03-18.

gnomAD v4.1: 17 of 1,614,006 alleles (0.0011%); highest among the groups gnomAD compares: African/African-American, 0.0027%; no homozygotes.

Submissions (2):

GeneDx
Classification: Uncertain significance. Last evaluated: 2026-03-18. Review status: criteria provided, single submitter. Criteria: GeneDx Variant Classification Process June 2021. Collection method: clinical testing. Allele origin: germline.
Comment: In silico analysis suggests that this missense variant does not alter protein structure/function; Has not been previously published as pathogenic or benign to our knowledge

Labcorp Genetics (formerly Invitae), Labcorp
Classification: Uncertain significance. Last evaluated: 2024-05-17. Review status: criteria provided, single submitter. Criteria: Invitae Variant Classification Sherloc (09022015). Collection method: clinical testing. Allele origin: germline.
Comment: This sequence change replaces threonine, which is neutral and polar, with asparagine, which is neutral and polar, at codon 1275 of the ROBO2 protein (p.Thr1275Asn). This variant is present in population databases (no rsID available, gnomAD 0.01%). This variant has not been reported in the literature in individuals affected with ROBO2-related conditions. Advanced modeling of protein sequence and biophysical properties (such as structural, functional, and spatial information, amino acid conservation, physicochemical variation, residue mobility, and thermodynamic stability) performed at Invitae indicates that this missense variant is not expected to disrupt ROBO2 protein function with a negative predictive value of 95%. In summary, the available evidence is currently insufficient to determine the role of this variant in disease. Therefore, it has been classified as a Variant of Uncertain Significance.

NM_001395656.1(ROBO2):c.3836C>A (p.Thr1279Asn)

Gene: ROBO2 (roundabout guidance receptor 2; plus strand). Cytogenetic location: 3p12.3.
Variant type: single nucleotide variant.
Coding change: c.3836C>A on transcript NM_001395656.1 (MANE Select); coding-DNA position 3836, C replaced by A.
Protein change: p.Thr1279Asn; replaces threonine 1279 with asparagine.
Molecular consequence: missense variant. On other transcripts: intron variant (1).
Genome position (GRCh38, 1-based): chr3:77,634,933, C>A. VCF-style: chr3-77634933-C-A. GRCh37 (hg19) VCF-style: chr3-77684084-C-A.
Other names: c.4019C>A, p.Thr1340Asn (NM_001290040.2, NM_001394212.1, NM_001395657.1); c.2045C>A, p.Thr682Asn (NM_001290065.2); c.3884C>A, p.Thr1295Asn (NM_001378190.1, NM_001378200.1, NM_001378201.1); c.4010C>A, p.Thr1337Asn (NM_001378191.1, NM_001378195.1, NM_001378196.1); c.3905C>A, p.Thr1302Asn (NM_001378192.1, NM_001378198.1, NM_001378199.1); c.3872C>A, p.Thr1291Asn (NM_001128929.3); c.3836C>A, p.Thr1279Asn (NM_001290039.2); c.3824C>A, p.Thr1275Asn (NM_001378193.1, NM_002942.5); and 7 more; short protein forms T1295N, T1276N, T1279N, T1291N, T1341N, T1340N, T682N, T1275N.
Identifiers: ClinVar variation 3688973 (VCV003688973.3).